The following is an entry in ClinVar:

NM_004006.3(DMD):c.2317A>T (p.Lys773Ter)

Gene: DMD (dystrophin; minus strand). Cytogenetic location: Xp21.1.
Variant type: single nucleotide variant.
Coding change: c.2317A>T on transcript NM_004006.3 (MANE Select); coding-DNA position 2317, A replaced by T.
Protein change: p.Lys773Ter; replaces lysine 773 with a stop codon.
Molecular consequence: nonsense.
Genome position (GRCh38, 1-based): chrX:32,501,818, T>A on the plus strand (A>T on the coding strand, the complement: DMD is on the minus strand). VCF-style: chrX-32501818-T-A. GRCh37 (hg19) VCF-style: chrX-32519935-T-A.
Other names: c.2293A>T, p.Lys765Ter (NM_000109.4); c.2305A>T, p.Lys769Ter (NM_004009.3); c.1948A>T, p.Lys650Ter (NM_004010.3); short protein forms K650*, K765*, K769*, K773*.
Identifiers: ClinVar variation 2737169 (VCV002737169.3), dbSNP rs128626244, ClinGen allele CA412673681.

ClinVar aggregate classification (germline): Pathogenic (1 of 4 stars; one submission).

Conditions:
Duchenne muscular dystrophy (DMD). Also called: MUSCULAR DYSTROPHY, PSEUDOHYPERTROPHIC PROGRESSIVE, DUCHENNE TYPE; Duchenne Muscular Dystrophy (DMD). Identifiers: Orphanet 98896, MedGen C0013264, MONDO:0010679, OMIM 310200.

Submission:

Labcorp Genetics (formerly Invitae), Labcorp
Classification: Pathogenic for Duchenne muscular dystrophy. Last evaluated: 2023-03-04. Review status: criteria provided, single submitter. Criteria: Invitae Variant Classification Sherloc (09022015). Collection method: clinical testing. Allele origin: germline.
Comment: This sequence change creates a premature translational stop signal (p.Lys773*) in the DMD gene. It is expected to result in an absent or disrupted protein product. Loss-of-function variants in DMD are known to be pathogenic (PMID: 16770791, 25007885). This variant is not present in population databases (gnomAD no frequency). This premature translational stop signal has been observed in individual(s) with Duchenne muscular dystrophy (PMID: 19937601). ClinVar contains an entry for this variant (Variation ID: 1322680). For these reasons, this variant has been classified as Pathogenic.

Literature cited by the submitters: PubMed 16770791; PubMed 25007885; PubMed 19937601.